The following is an entry in ClinVar:

ClinVar aggregate classification (germline): Likely benign (1 of 4 stars; one submission).

gnomAD v4.1: 4 of 1,613,030 alleles (0.00025%); highest among the groups gnomAD compares: Non-Finnish European, 0.00025%; no homozygotes.

Submission:

CeGaT Center for Human Genetics Tuebingen
Classification: Likely benign. Last evaluated: 2026-03-01. Review status: criteria provided, single submitter. Criteria: CeGaT Center For Human Genetics Tuebingen Variant Classification Criteria Version 2. Collection method: clinical testing. Allele origin: germline. Affected: yes. Observed: 1 variant allele.
Comment: TNIK: BP4, BP7

NM_015028.4(TNIK):c.1857C>T (p.Leu619=)

Gene: TNIK (TRAF2 and NCK interacting kinase; minus strand). Cytogenetic location: 3q26.2.
Variant type: single nucleotide variant.
Coding change: c.1857C>T on transcript NM_015028.4 (MANE Select); coding-DNA position 1857, C replaced by T.
Protein change: p.Leu619=; no amino-acid change (leucine 619 retained).
Molecular consequence: synonymous variant.
Genome position (GRCh38, 1-based): chr3:171,126,068, G>A on the plus strand (C>T on the coding strand, the complement: TNIK is on the minus strand). VCF-style: chr3-171126068-G-A. GRCh37 (hg19) VCF-style: chr3-170843857-G-A.
Other names: c.1857C>T, p.Leu619= (NM_001161560.3); c.1770C>T, p.Leu590= (NM_001161561.3, NM_001161562.3); c.1692C>T, p.Leu564= (NM_001161563.3, NM_001161564.3); c.1605C>T, p.Leu535= (NM_001161565.3, NM_001161566.3).
Identifiers: ClinVar variation 4822072 (VCV004822072.4).